The following is an entry in ClinVar:

ClinVar aggregate classification (germline): Uncertain significance (1 of 4 stars; one submission).

Submission:

GeneDx
Classification: Uncertain significance. Last evaluated: 2024-10-03. Review status: criteria provided, single submitter. Criteria: GeneDx Variant Classification Process June 2021. Collection method: clinical testing. Allele origin: germline. Affected: yes.
Comment: Not observed at significant frequency in large population cohorts (gnomAD); In silico analysis indicates that this missense variant does not alter protein structure/function; Has not been previously published as pathogenic or benign to our knowledge

NM_001110219.3(GJB6):c.716G>A (p.Ser239Asn)

Gene: GJB6 (gap junction protein beta 6; minus strand). Cytogenetic location: 13q12.11.
Variant type: single nucleotide variant.
Coding change: c.716G>A on transcript NM_001110219.3 (MANE Select); coding-DNA position 716, G replaced by A.
Protein change: p.Ser239Asn; replaces serine 239 with asparagine.
Molecular consequence: missense variant.
Genome position (GRCh38, 1-based): chr13:20,222,765, C>T on the plus strand (G>A on the coding strand, the complement: GJB6 is on the minus strand). VCF-style: chr13-20222765-C-T. GRCh37 (hg19) VCF-style: chr13-20796904-C-T.
Other names: c.716G>A, p.Ser239Asn (NM_001110220.3, NM_001110221.3, NM_001370090.1 and 3 more transcripts); short protein forms S239N.
Identifiers: ClinVar variation 1326032 (VCV001326032.3), dbSNP rs2137331138, ClinGen allele CA387467266.